The following is an entry in ClinVar:

ClinVar aggregate classification (germline): Uncertain significance (1 of 4 stars; one submission).

Submission:

GeneDx
Classification: Uncertain significance. Last evaluated: 2024-12-18. Review status: criteria provided, single submitter. Criteria: GeneDx Variant Classification Process June 2021. Collection method: clinical testing. Allele origin: germline. Affected: yes.
Comment: Not observed at significant frequency in large population cohorts (gnomAD); In silico analysis supports that this missense variant has a deleterious effect on protein structure/function; Has not been previously published as pathogenic or benign to our knowledge

NM_201384.3(PLEC):c.6926A>C (p.Glu2309Ala)

Gene: PLEC (plectin; minus strand). Cytogenetic location: 8q24.3.
Variant type: single nucleotide variant.
Coding change: c.6926A>C on transcript NM_201384.3 (MANE Select); coding-DNA position 6926, A replaced by C.
Protein change: p.Glu2309Ala; replaces glutamic acid 2309 with alanine.
Molecular consequence: missense variant. On other transcripts: intron variant (1).
Genome position (GRCh38, 1-based): chr8:143,923,003, T>G on the plus strand (A>C on the coding strand, the complement: PLEC is on the minus strand). VCF-style: chr8-143923003-T-G. GRCh37 (hg19) VCF-style: chr8-144997171-T-G.
Other names: c.7007A>C, p.Glu2336Ala (NM_000445.5); c.6884A>C, p.Glu2295Ala (NM_201378.4); c.6860A>C, p.Glu2287Ala (NM_201379.3); c.7337A>C, p.Glu2446Ala (NM_201380.4); c.6830A>C, p.Glu2277Ala (NM_201381.3); c.6926A>C, p.Glu2309Ala (NM_201382.4); c.6938A>C, p.Glu2313Ala (NM_201383.3); c.4126-608A>C (NM_001410941.1); short protein forms E2277A, E2287A, E2295A, E2309A, E2313A, E2336A, E2446A.
Identifiers: ClinVar variation 3906337 (VCV003906337.1).